The following is an entry in ClinVar:

ClinVar aggregate classification (germline): Uncertain significance. Review status: criteria provided, multiple submitters, no conflicts (2 of 4 stars). 3 submissions from 3 submitters: Uncertain significance (3). Last evaluated 2026-01-01.

Conditions:
Inborn genetic diseases. Identifiers: MedGen C0950123, MeSH D030342.

Allele frequency attached by ClinVar (database versions not stated): ESP Exome Variant Server 0.00008; gnomAD exomes 0.00009; ExAC 0.00010; TOPMed 0.00012.
gnomAD v4.1: 159 of 1,509,006 alleles (0.011%); highest among the groups gnomAD compares: Non-Finnish European, 0.013%; no homozygotes.

Submissions (3):

CeGaT Center for Human Genetics Tuebingen
Classification: Uncertain significance. Last evaluated: 2026-01-01. Review status: criteria provided, single submitter. Criteria: CeGaT Center For Human Genetics Tuebingen Variant Classification Criteria Version 2. Collection method: clinical testing. Allele origin: germline. Affected: yes. Observed: 1 variant allele.
Comment: PDE2A: PM2, BP4

Labcorp Genetics (formerly Invitae), Labcorp
Classification: Uncertain significance. Last evaluated: 2025-10-02. Review status: criteria provided, single submitter. Criteria: Invitae Variant Classification Sherloc (09022015). Collection method: clinical testing. Allele origin: germline.
Comment: This sequence change replaces alanine, which is neutral and non-polar, with valine, which is neutral and non-polar, at codon 157 of the PDE2A protein (p.Ala157Val). This variant is present in population databases (rs142944983, gnomAD 0.03%). This variant has not been reported in the literature in individuals affected with PDE2A-related conditions. ClinVar contains an entry for this variant (Variation ID: 1434463). An algorithm developed to predict the effect of missense changes on protein structure and function (PolyPhen-2) suggests that this variant is likely to be tolerated. In summary, the available evidence is currently insufficient to determine the role of this variant in disease. Therefore, it has been classified as a Variant of Uncertain Significance.

Ambry Genetics
Classification: Uncertain significance for Inborn genetic diseases. Last evaluated: 2025-06-07. Review status: criteria provided, single submitter. Criteria: Ambry Variant Classification Scheme 2023. Collection method: clinical testing. Allele origin: germline.

NM_002599.5(PDE2A):c.470C>T (p.Ala157Val)

Gene: PDE2A (phosphodiesterase 2A; minus strand). Cytogenetic location: 11q13.4.
Variant type: single nucleotide variant.
Coding change: c.470C>T on transcript NM_002599.5 (MANE Select); coding-DNA position 470, C replaced by T.
Protein change: p.Ala157Val; replaces alanine 157 with valine.
Molecular consequence: missense variant.
Genome position (GRCh38, 1-based): chr11:72,596,612, G>A on the plus strand (C>T on the coding strand, the complement: PDE2A is on the minus strand). VCF-style: chr11-72596612-G-A. GRCh37 (hg19) VCF-style: chr11-72307656-G-A.
Other names: c.470C>T (NM_002599.4); c.449C>T, p.Ala150Val (NM_001143839.4); c.443C>T, p.Ala148Val (NM_001146209.3); c.407C>T, p.Ala136Val (NM_001243784.2); short protein forms A150V, A136V, A148V, A157V.
Identifiers: ClinVar variation 1434463 (VCV001434463.11), dbSNP rs142944983, ClinGen allele CA6172562.